The following is an entry in ClinVar:

NM_001353694.2(TIAM1):c.3843G>A (p.Ser1281=)

Gene: TIAM1 (TIAM Rac1 associated GEF 1; minus strand). Cytogenetic location: 21q22.11.
Variant type: single nucleotide variant.
Coding change: c.3843G>A on transcript NM_001353694.2 (MANE Select); coding-DNA position 3843, G replaced by A.
Protein change: p.Ser1281=; no amino-acid change (serine 1281 retained).
Molecular consequence: synonymous variant.
Genome position (GRCh38, 1-based): chr21:31,135,973, C>T on the plus strand (G>A on the coding strand, the complement: TIAM1 is on the minus strand). VCF-style: chr21-31135973-C-T. GRCh37 (hg19) VCF-style: chr21-32508291-C-T.
Other names: c.942G>A, p.Ser314= (NM_001353684.2); c.867G>A, p.Ser289= (NM_001353685.2); c.3768G>A, p.Ser1256= (NM_001353686.2, NM_001353687.2); c.3843G>A, p.Ser1281= (NM_001353688.1, NM_001353689.1, NM_001353690.1 and 4 more transcripts).
Identifiers: ClinVar variation 3040578 (VCV003040578.2), dbSNP rs143123730, ClinGen allele CA9997698.
Genomic context (GRCh38, chr21:31,135,973, plus strand): 5'-AACGCTTTTCTGATACACACCGAATGCTGCCAACTCTGGTTCCTTTTTCCACTTGCCCAG[C>T]GAGGCCGGCGGGTTCAGCCAGATCACGGTAGTGTGCAAAAGCAGGTCTCCCATGCTCAGA-3'
Protein context (NP_001340623.1, residues 1271-1291): TTVIWLNPPA[Ser1281=]LGKWKKEPEL

ClinVar aggregate classification (germline): Likely benign (0 of 4 stars; one submission).

Conditions:
TIAM1-related disorder. Also called: TIAM1-related condition.

Allele frequency attached by ClinVar (database versions not stated): ESP Exome Variant Server 0.00023.
gnomAD v4.1: 148 of 1,614,032 alleles (0.0092%); highest among the groups gnomAD compares: African/African-American, 0.12%; 1 homozygote.

Submission:

PreventionGenetics, part of Exact Sciences
Classification: Likely benign for TIAM1-related condition. Last evaluated: 2019-03-18. Review status: no assertion criteria provided. Collection method: clinical testing. Allele origin: germline.
Comment: This variant is classified as likely benign based on ACMG/AMP sequence variant interpretation guidelines (Richards et al. 2015 PMID: 25741868, with internal and published modifications).